The following is an entry in ClinVar:

ClinVar aggregate classification (germline): Uncertain significance. Review status: criteria provided, multiple submitters, no conflicts (2 of 4 stars). 3 submissions from 3 submitters: Uncertain significance (3). Last evaluated 2026-03-26.

Conditions:
Inborn genetic diseases. Identifiers: MedGen C0950123, MeSH D030342.
Combined oxidative phosphorylation defect type 27. Also called: Combined oxidative phosphorylation deficiency 27. Identifiers: Orphanet 477774, MedGen C5567608, MONDO:0014728, OMIM 616672.

Allele frequency attached by ClinVar (database versions not stated): gnomAD 0.00003 and 0.00002; TOPMed 0.00006; 1000 Genomes Project 30x 0.00016; gnomAD exomes 0.00002; 1000 Genomes Project 0.00020.
gnomAD v4.1: 42 of 1,607,650 alleles (0.0026%); highest among the groups gnomAD compares: East Asian, 0.0045%; no homozygotes.

Submissions (3):

GeneDx
Classification: Uncertain significance. Last evaluated: 2026-03-26. Review status: criteria provided, single submitter. Criteria: GeneDx Variant Classification Process June 2021. Collection method: clinical testing. Allele origin: germline.
Comment: Not observed at significant frequency in large population cohorts (gnomAD); In silico analysis supports that this missense variant has a deleterious effect on protein structure/function; Has not been previously published as pathogenic or benign to our knowledge

Labcorp Genetics (formerly Invitae), Labcorp
Classification: Uncertain significance for Combined oxidative phosphorylation defect type 27. Last evaluated: 2025-05-12. Review status: criteria provided, single submitter. Criteria: Invitae Variant Classification Sherloc (09022015). Collection method: clinical testing. Allele origin: germline.
Comment: This sequence change replaces arginine, which is basic and polar, with histidine, which is basic and polar, at codon 224 of the CARS2 protein (p.Arg224His). This variant is present in population databases (rs199589765, gnomAD 0.003%). This variant has not been reported in the literature in individuals affected with CARS2-related conditions. ClinVar contains an entry for this variant (Variation ID: 639615). Invitae Evidence Modeling of protein sequence and biophysical properties (such as structural, functional, and spatial information, amino acid conservation, physicochemical variation, residue mobility, and thermodynamic stability) indicates that this missense variant is not expected to disrupt CARS2 protein function with a negative predictive value of 80%. In summary, the available evidence is currently insufficient to determine the role of this variant in disease. Therefore, it has been classified as a Variant of Uncertain Significance.

Ambry Genetics
Classification: Uncertain significance for Inborn genetic diseases. Last evaluated: 2022-05-09. Review status: criteria provided, single submitter. Criteria: Ambry Variant Classification Scheme 2023. Collection method: clinical testing. Allele origin: germline.

NM_024537.4(CARS2):c.671G>A (p.Arg224His)

Gene: CARS2 (cysteinyl-tRNA synthetase 2, mitochondrial; minus strand). Cytogenetic location: 13q34.
Variant type: single nucleotide variant.
Coding change: c.671G>A on transcript NM_024537.4 (MANE Select); coding-DNA position 671, G replaced by A.
Protein change: p.Arg224His; replaces arginine 224 with histidine.
Molecular consequence: missense variant. On other transcripts: 5 prime UTR variant (1), non-coding transcript variant (2).
Genome position (GRCh38, 1-based): chr13:110,677,088, C>T on the plus strand (G>A on the coding strand, the complement: CARS2 is on the minus strand). VCF-style: chr13-110677088-C-T. GRCh37 (hg19) VCF-style: chr13-111329435-C-T.
Other names: c.-116G>A (NM_001352252.2); c.671G>A, p.Arg224His (NM_001352253.3); c.671G>A (NM_024537.2); short protein forms R224H.
Identifiers: ClinVar variation 639615 (VCV000639615.9), dbSNP rs199589765, ClinGen allele CA256306383.